The following is an entry in ClinVar:

NM_015466.4(PTPN23):c.2156G>A (p.Arg719Gln)

Gene: PTPN23 (protein tyrosine phosphatase non-receptor type 23; plus strand). Cytogenetic location: 3p21.31.
Variant type: single nucleotide variant.
Coding change: c.2156G>A on transcript NM_015466.4 (MANE Select); coding-DNA position 2156, G replaced by A.
Protein change: p.Arg719Gln; replaces arginine 719 with glutamine.
Molecular consequence: missense variant.
Genome position (GRCh38, 1-based): chr3:47,409,954, G>A. VCF-style: chr3-47409954-G-A. GRCh37 (hg19) VCF-style: chr3-47451444-G-A.
Other names: c.1778G>A, p.Arg593Gln (NM_001304482.2); short protein forms R719Q, R593Q.
Identifiers: ClinVar variation 1518286 (VCV001518286.3), dbSNP rs769919664, ClinGen allele CA2365961.

ClinVar aggregate classification (germline): Uncertain significance (1 of 4 stars; one submission).

Allele frequency attached by ClinVar (database versions not stated): gnomAD exomes 0.00001; ExAC 0.00002; TOPMed 0.00002; gnomAD 0.00003.
gnomAD v4.1: 20 of 1,570,072 alleles (0.0013%); highest among the groups gnomAD compares: African/African-American, 0.0096%; no homozygotes.

Submission:

Labcorp Genetics (formerly Invitae), Labcorp
Classification: Uncertain significance. Last evaluated: 2021-09-18. Review status: criteria provided, single submitter. Criteria: Invitae Variant Classification Sherloc (09022015). Collection method: clinical testing. Allele origin: germline.
Comment: This sequence change replaces arginine with glutamine at codon 719 of the PTPN23 protein (p.Arg719Gln). The arginine residue is moderately conserved and there is a small physicochemical difference between arginine and glutamine. This variant is present in population databases (rs769919664, ExAC 0.01%). This variant has not been reported in the literature in individuals affected with PTPN23-related conditions. Algorithms developed to predict the effect of missense changes on protein structure and function are either unavailable or do not agree on the potential impact of this missense change (SIFT: "Tolerated"; PolyPhen-2: "Not Available"; Align-GVGD: "Class C0"). In summary, the available evidence is currently insufficient to determine the role of this variant in disease. Therefore, it has been classified as a Variant of Uncertain Significance.